The following is an entry in ClinVar:

NM_015474.4(SAMHD1):c.1033A>G (p.Asn345Asp)

Gene: SAMHD1 (SAM and HD domain containing deoxynucleoside triphosphate triphosphohydrolase 1; minus strand). Cytogenetic location: 20q11.23.
Variant type: single nucleotide variant.
Coding change: c.1033A>G on transcript NM_015474.4 (MANE Select); coding-DNA position 1033, A replaced by G.
Protein change: p.Asn345Asp; replaces asparagine 345 with aspartic acid.
Molecular consequence: missense variant.
Genome position (GRCh38, 1-based): chr20:36,916,751, T>C on the plus strand (A>G on the coding strand, the complement: SAMHD1 is on the minus strand). VCF-style: chr20-36916751-T-C. GRCh37 (hg19) VCF-style: chr20-35545154-T-C.
Other names: c.1033A>G, p.Asn345Asp (NM_001363729.2, NM_001363733.2); short protein forms N345D.
Identifiers: ClinVar variation 1044228 (VCV001044228.6), dbSNP rs1232169509, ClinGen allele CA408844796.

ClinVar aggregate classification (germline): Uncertain significance (1 of 4 stars; one submission).

Conditions:
Aicardi-Goutieres syndrome 5. Identifiers: Orphanet 51, MedGen C2749659, MONDO:0013059, OMIM 612952.

Allele frequency attached by ClinVar (database versions not stated): gnomAD exomes below 0.00001; gnomAD 0.00001; TOPMed 0.00001.
gnomAD v4.1: 8 of 1,613,762 alleles (0.0005%); highest among the groups gnomAD compares: Non-Finnish European, 0.00059%; no homozygotes.

Submission:

Labcorp Genetics (formerly Invitae), Labcorp
Classification: Uncertain significance for Aicardi-Goutieres syndrome 5. Last evaluated: 2022-05-27. Review status: criteria provided, single submitter. Criteria: Invitae Variant Classification Sherloc (09022015). Collection method: clinical testing. Allele origin: germline.
Comment: This sequence change replaces asparagine, which is neutral and polar, with aspartic acid, which is acidic and polar, at codon 345 of the SAMHD1 protein (p.Asn345Asp). This variant is not present in population databases (gnomAD no frequency). This variant has not been reported in the literature in individuals affected with SAMHD1-related conditions. ClinVar contains an entry for this variant (Variation ID: 1044228). Algorithms developed to predict the effect of missense changes on protein structure and function output the following: SIFT: "Tolerated"; PolyPhen-2: "Benign"; Align-GVGD: "Class C0". The aspartic acid amino acid residue is found in multiple mammalian species, which suggests that this missense change does not adversely affect protein function. In summary, the available evidence is currently insufficient to determine the role of this variant in disease. Therefore, it has been classified as a Variant of Uncertain Significance.